The following is an entry in ClinVar:

NM_002497.4(NEK2):c.841A>G (p.Arg281Gly)

Gene: NEK2 (NIMA related kinase 2; minus strand). Cytogenetic location: 1q32.3.
Variant type: single nucleotide variant.
Coding change: c.841A>G on transcript NM_002497.4 (MANE Select); coding-DNA position 841, A replaced by G.
Protein change: p.Arg281Gly; replaces arginine 281 with glycine.
Molecular consequence: missense variant.
Genome position (GRCh38, 1-based): chr1:211,669,257, T>C on the plus strand (A>G on the coding strand, the complement: NEK2 is on the minus strand). VCF-style: chr1-211669257-T-C. GRCh37 (hg19) VCF-style: chr1-211842599-T-C.
Other names: c.841A>G, p.Arg281Gly (NM_001204182.2, NM_001204183.2); short protein forms R281G.
Identifiers: ClinVar variation 4703918 (VCV004703918.1).

ClinVar aggregate classification (germline): Uncertain significance (1 of 4 stars; one submission).

Submission:

Labcorp Genetics (formerly Invitae), Labcorp
Classification: Uncertain significance. Last evaluated: 2025-12-30. Review status: criteria provided, single submitter. Criteria: Invitae Variant Classification Sherloc (09022015). Collection method: clinical testing. Allele origin: germline.
Comment: This sequence change replaces arginine, which is basic and polar, with glycine, which is neutral and non-polar, at codon 281 of the NEK2 protein (p.Arg281Gly). This variant is present in population databases (no rsID available, gnomAD 0.0009%). This variant has not been reported in the literature in individuals affected with NEK2-related conditions. An algorithm developed to predict the effect of missense changes on protein structure and function outputs the following: PolyPhen-2: "Benign". The glycine amino acid residue is found in multiple mammalian species, which suggests that this missense change does not adversely affect protein function. In summary, the available evidence is currently insufficient to determine the role of this variant in disease. Therefore, it has been classified as a Variant of Uncertain Significance.